The following is an entry in ClinVar:

NM_000237.3(LPL):c.1158dup (p.Lys387Ter)

Gene: LPL (lipoprotein lipase; plus strand). Cytogenetic location: 8p21.3.
Variant type: Duplication.
Coding change: c.1158dup on transcript NM_000237.3 (MANE Select); coding-DNA position 1158, one base duplicated (T; older notation c.1158dupT).
Protein change: p.Lys387Ter; replaces lysine 387 with a stop codon.
Molecular consequence: nonsense.
Genome position (GRCh38, 1-based): chr8:19,960,919, T duplicated. VCF-style (leftmost placement, unchanged base first): chr8-19960918-A-AT. GRCh37 (hg19) VCF-style: chr8-19818429-A-AT.
Other names: short protein forms K387*.
Identifiers: ClinVar variation 2795633 (VCV002795633.3), dbSNP rs2540111345, ClinGen allele CA2739279633.

ClinVar aggregate classification (germline): Pathogenic (1 of 4 stars; one submission).

Submission:

Labcorp Genetics (formerly Invitae), Labcorp
Classification: Pathogenic. Last evaluated: 2023-04-02. Review status: criteria provided, single submitter. Criteria: Invitae Variant Classification Sherloc (09022015). Collection method: clinical testing. Allele origin: germline.
Comment: For these reasons, this variant has been classified as Pathogenic. Algorithms developed to predict the effect of sequence changes on RNA splicing suggest that this variant may create or strengthen a splice site. This variant has not been reported in the literature in individuals affected with LPL-related conditions. This variant is not present in population databases (gnomAD no frequency). This sequence change creates a premature translational stop signal (p.Lys387*) in the LPL gene. It is expected to result in an absent or disrupted protein product. Loss-of-function variants in LPL are known to be pathogenic (PMID: 11334614).

Literature cited by the submitters: PubMed 11334614.